The following is an entry in ClinVar:

ClinVar aggregate classification (germline): Uncertain significance. Review status: criteria provided, multiple submitters, no conflicts (2 of 4 stars). 2 submissions from 2 submitters: Uncertain significance (2). Last evaluated 2025-10-21.

Allele frequency attached by ClinVar (database versions not stated): TOPMed 0.00002; ESP Exome Variant Server 0.00008.
gnomAD v4.1: 42 of 1,531,342 alleles (0.0027%); highest among the groups gnomAD compares: East Asian, 0.0045%; no homozygotes.

Submissions (2):

Ambry Genetics
Classification: Uncertain significance. Last evaluated: 2025-10-21. Review status: criteria provided, single submitter. Criteria: Ambry Variant Classification Scheme 2023. Collection method: clinical testing. Allele origin: germline.

Labcorp Genetics (formerly Invitae), Labcorp
Classification: Uncertain significance. Last evaluated: 2022-07-18. Review status: criteria provided, single submitter. Criteria: Invitae Variant Classification Sherloc (09022015). Collection method: clinical testing. Allele origin: germline.
Comment: This sequence change replaces arginine, which is basic and polar, with glutamine, which is neutral and polar, at codon 1397 of the RUSC2 protein (p.Arg1397Gln). This variant is present in population databases (rs371277403, gnomAD 0.004%). This variant has not been reported in the literature in individuals affected with RUSC2-related conditions. ClinVar contains an entry for this variant (Variation ID: 1465646). Algorithms developed to predict the effect of missense changes on protein structure and function are either unavailable or do not agree on the potential impact of this missense change (SIFT: "Tolerated"; PolyPhen-2: "Probably Damaging"; Align-GVGD: "Class C0"). In summary, the available evidence is currently insufficient to determine the role of this variant in disease. Therefore, it has been classified as a Variant of Uncertain Significance.

NM_014806.5(RUSC2):c.4190G>A (p.Arg1397Gln)

Gene: RUSC2 (RUN and SH3 domain containing 2; plus strand). Cytogenetic location: 9p13.3.
Variant type: single nucleotide variant.
Coding change: c.4190G>A on transcript NM_014806.5 (MANE Select); coding-DNA position 4190, G replaced by A.
Protein change: p.Arg1397Gln; replaces arginine 1397 with glutamine.
Molecular consequence: missense variant. On other transcripts: non-coding transcript variant (1).
Genome position (GRCh38, 1-based): chr9:35,560,830, G>A. VCF-style: chr9-35560830-G-A. GRCh37 (hg19) VCF-style: chr9-35560827-G-A.
Other names: c.4190G>A, p.Arg1397Gln (NM_001135999.2); c.1556G>A, p.Arg519Gln (NM_001330740.2); c.4190G>A (NM_001135999.1); short protein forms R519Q, R1397Q.
Identifiers: ClinVar variation 1465646 (VCV001465646.4), dbSNP rs371277403, ClinGen allele CA5044305.